The following is an entry in ClinVar:

NM_000090.4(COL3A1):c.3001C>G (p.Pro1001Ala)

Gene: COL3A1 (collagen type III alpha 1 chain; plus strand). Cytogenetic location: 2q32.2.
Variant type: single nucleotide variant.
Coding change: c.3001C>G on transcript NM_000090.4 (MANE Select); coding-DNA position 3001, C replaced by G.
Protein change: p.Pro1001Ala; replaces proline 1001 with alanine.
Molecular consequence: missense variant.
Genome position (GRCh38, 1-based): chr2:189,005,419, C>G. VCF-style: chr2-189005419-C-G. GRCh37 (hg19) VCF-style: chr2-189870145-C-G.
Other names: short protein forms P1001A.
Identifiers: ClinVar variation 1051468 (VCV001051468.17), dbSNP rs777180110, ClinGen allele CA075771.

ClinVar aggregate classification (germline): Uncertain significance. Review status: criteria provided, multiple submitters, no conflicts (2 of 4 stars). 5 submissions from 5 submitters: Uncertain significance (5). Last evaluated 2025-07-11.

Conditions:
Familial thoracic aortic aneurysm and aortic dissection (TAAD). Also called: Thoracic aortic aneurysms and dissections. Identifiers: Orphanet 91387, MedGen C4707243, MONDO:0019625.
Ehlers-Danlos syndrome, type 4 (EDSVASC). Also called: Ehlers-Danlos syndrome vascular type; Ehlers Danlos syndrome, ecchymotic type; Ehlers Danlos syndrome, arterial type; Ehlers Danlos syndrome, Sack-Barabas type; Ehlers-Danlos Syndrome Type IV. Identifiers: Orphanet 286, MedGen C0268338, MONDO:0017314, OMIM 130050.

Allele frequency attached by ClinVar (database versions not stated): ExAC 0.00001; gnomAD exomes 0.00001 and 0.00002; TOPMed 0.00002.
gnomAD v4.1: 13 of 1,614,046 alleles (0.00081%); highest among the groups gnomAD compares: Admixed American, 0.0033%; no homozygotes.

Submissions (5):

Color Diagnostics, LLC DBA Color Health
Classification: Uncertain significance for Familial thoracic aortic aneurysm and aortic dissection. Last evaluated: 2025-07-11. Review status: criteria provided, single submitter. Criteria: ACMG Guidelines, 2015. Collection method: clinical testing. Allele origin: germline.
Comment: This missense variant replaces proline with alanine at codon 1001 of the COL3A1 protein. Computational prediction suggests that this variant may not impact protein structure and function. To our knowledge, functional studies have not been reported for this variant. This variant has not been reported in individuals affected with COL3A1-related disorders in the literature. This variant has been identified in 4/251432 chromosomes in the general population by the Genome Aggregation Database (gnomAD). The available evidence is insufficient to determine the role of this variant in disease conclusively. Therefore, this variant is classified as a Variant of Uncertain Significance.

GeneDx
Classification: Uncertain significance. Last evaluated: 2025-04-25. Review status: criteria provided, single submitter. Criteria: GeneDx Variant Classification Process June 2021. Collection method: clinical testing. Allele origin: germline. Affected: yes.
Comment: Not observed at significant frequency in large population cohorts (gnomAD); In silico analysis supports that this missense variant has a deleterious effect on protein structure/function; This variant is associated with the following publications: (PMID: 37116669)

Labcorp Genetics (formerly Invitae), Labcorp
Classification: Uncertain significance for Ehlers-Danlos syndrome, type 4. Last evaluated: 2024-05-09. Review status: criteria provided, single submitter. Criteria: Invitae Variant Classification Sherloc (09022015). Collection method: clinical testing. Allele origin: germline.
Comment: This sequence change replaces proline, which is neutral and non-polar, with alanine, which is neutral and non-polar, at codon 1001 of the COL3A1 protein (p.Pro1001Ala). This variant is present in population databases (rs777180110, gnomAD 0.006%). This variant has not been reported in the literature in individuals affected with COL3A1-related conditions. ClinVar contains an entry for this variant (Variation ID: 1051468). Advanced modeling of protein sequence and biophysical properties (such as structural, functional, and spatial information, amino acid conservation, physicochemical variation, residue mobility, and thermodynamic stability) performed at Invitae indicates that this missense variant is not expected to disrupt COL3A1 protein function with a negative predictive value of 95%. In summary, the available evidence is currently insufficient to determine the role of this variant in disease. Therefore, it has been classified as a Variant of Uncertain Significance.

All of Us Research Program, National Institutes of Health
Classification: Uncertain significance for Ehlers-Danlos syndrome, type 4. Last evaluated: 2023-11-30. Review status: criteria provided, single submitter. Criteria: ACMG Guidelines, 2015. Collection method: clinical testing. Allele origin: germline. Inheritance: Autosomal dominant inheritance. Observed: 6 variant alleles, 6 heterozygotes.
Comment: This missense variant replaces proline with alanine at codon 1001 of the COL3A1 protein. Computational prediction suggests that this variant may not impact protein structure and function (internally defined REVEL score threshold <= 0.5, PMID: 27666373). To our knowledge, functional studies have not been reported for this variant. This variant has not been reported in individuals affected with cardiovascular disorders in the literature. This variant has been identified in 4/251432 chromosomes in the general population by the Genome Aggregation Database (gnomAD). The available evidence is insufficient to determine the role of this variant in disease conclusively. Therefore, this variant is classified as a Variant of Uncertain Significance.

This study involves interpretation of variants in research participants for the purpose of population health screening. Participant phenotype was not available at the time of variant classification. Additional details can be found in publication PMID: 35346344, PMCID: PMC8962531

Ambry Genetics
Classification: Uncertain significance for Familial thoracic aortic aneurysm and aortic dissection. Last evaluated: 2022-08-19. Review status: criteria provided, single submitter. Criteria: Ambry Variant Classification Scheme 2023. Collection method: clinical testing. Allele origin: germline.